The following is an entry in ClinVar:

ClinVar aggregate classification (germline): Uncertain significance (1 of 4 stars; one submission).

Conditions:
Inborn genetic diseases. Identifiers: MedGen C0950123, MeSH D030342.

Allele frequency attached by ClinVar (database versions not stated): gnomAD exomes below 0.00001; ExAC 0.00001.
gnomAD v4.1: 2 of 1,613,884 alleles (0.00012%); highest among the groups gnomAD compares: Non-Finnish European, 0.00017%; no homozygotes.

Submission:

Ambry Genetics
Classification: Uncertain significance for Inborn genetic diseases. Last evaluated: 2022-06-08. Review status: criteria provided, single submitter. Criteria: Ambry Variant Classification Scheme 2023. Collection method: clinical testing. Allele origin: germline.
Comment: The p.Q1567P variant (also known as c.4700A>C), located in coding exon 27 of the ATR gene, results from an A to C substitution at nucleotide position 4700. The glutamine at codon 1567 is replaced by proline, an amino acid with similar properties. This amino acid position is conserved. In addition, this alteration is predicted to be tolerated by in silico analysis. Since supporting evidence is limited at this time, the clinical significance of this alteration remains unclear.

NM_001184.4(ATR):c.4700A>C (p.Gln1567Pro)

Gene: ATR (ATR checkpoint kinase; minus strand). Cytogenetic location: 3q23.
Variant type: single nucleotide variant.
Coding change: c.4700A>C on transcript NM_001184.4 (MANE Select); coding-DNA position 4700, A replaced by C.
Protein change: p.Gln1567Pro; replaces glutamine 1567 with proline.
Molecular consequence: missense variant.
Genome position (GRCh38, 1-based): chr3:142,512,412, T>G on the plus strand (A>C on the coding strand, the complement: ATR is on the minus strand). VCF-style: chr3-142512412-T-G. GRCh37 (hg19) VCF-style: chr3-142231254-T-G.
Other names: c.4508A>C, p.Gln1503Pro (NM_001354579.2); short protein forms Q1567P, Q1503P.
Identifiers: ClinVar variation 1742552 (VCV001742552.2), dbSNP rs774212021, ClinGen allele CA2649776.